The following is an entry in ClinVar:

ClinVar aggregate classification (germline): Uncertain significance (1 of 4 stars; one submission).

gnomAD v4.1: 1 of 1,613,806 alleles (0.000062%); no homozygotes.

Submission:

Labcorp Genetics (formerly Invitae), Labcorp
Classification: Uncertain significance. Last evaluated: 2023-07-31. Review status: criteria provided, single submitter. Criteria: Invitae Variant Classification Sherloc (09022015). Collection method: clinical testing. Allele origin: germline.
Comment: This variant has not been reported in the literature in individuals affected with DNAH9-related conditions. Advanced modeling of protein sequence and biophysical properties (such as structural, functional, and spatial information, amino acid conservation, physicochemical variation, residue mobility, and thermodynamic stability) performed at Invitae indicates that this missense variant is not expected to disrupt DNAH9 protein function. Algorithms developed to predict the effect of sequence changes on RNA splicing suggest that this variant may create or strengthen a splice site. In summary, the available evidence is currently insufficient to determine the role of this variant in disease. Therefore, it has been classified as a Variant of Uncertain Significance. This sequence change replaces glycine, which is neutral and non-polar, with glutamic acid, which is acidic and polar, at codon 943 of the DNAH9 protein (p.Gly943Glu). This variant is not present in population databases (gnomAD no frequency).

NM_001372.4(DNAH9):c.2828G>A (p.Gly943Glu)

Genes: DNAH9 (dynein axonemal heavy chain 9; plus strand), LOC126862505 (BRD4-independent group 4 enhancer GRCh37_chr17:11572478-11573677; plus strand). Cytogenetic location: 17p12.
Variant type: single nucleotide variant.
Coding change: c.2828G>A on transcript NM_001372.4 (MANE Select); coding-DNA position 2828, G replaced by A.
Protein change: p.Gly943Glu; replaces glycine 943 with glutamic acid.
Molecular consequence: missense variant.
Genome position (GRCh38, 1-based): chr17:11,669,160, G>A. VCF-style: chr17-11669160-G-A. GRCh37 (hg19) VCF-style: chr17-11572477-G-A.
Other names: short protein forms G943E.
Identifiers: ClinVar variation 2729902 (VCV002729902.3), dbSNP rs2073933624, ClinGen allele CA398181881.